The following is an entry in ClinVar:

ClinVar aggregate classification (germline): Uncertain significance (1 of 4 stars; one submission).

gnomAD v4.1: 16 of 1,571,170 alleles (0.001%); highest among the groups gnomAD compares: Non-Finnish European, 0.0013%; no homozygotes.

Submission:

Ambry Genetics
Classification: Uncertain significance. Last evaluated: 2025-06-16. Review status: criteria provided, single submitter. Criteria: Ambry Variant Classification Scheme 2023. Collection method: clinical testing. Allele origin: germline.
Comment: The c.572+5G>A intronic variant results from a G to A substitution 5 nucleotides after coding exon 5 in the RAD51B gene. This nucleotide position is not well conserved in available vertebrate species. In silico splice site analysis predicts that this alteration will not have any significant effect on splicing. The evidence for this gene-disease relationship is limited; therefore, the clinical significance of this alteration is unclear.

NM_133510.4(RAD51B):c.572+5G>A

Gene: RAD51B (RAD51 paralog B; plus strand). Cytogenetic location: 14q24.1.
Variant type: single nucleotide variant.
Coding change: c.572+5G>A on transcript NM_133510.4 (MANE Select); 5 bases into the intron after coding-DNA position 572, G replaced by A.
Molecular consequence: intron variant.
Genome position (GRCh38, 1-based): chr14:67,885,993, G>A. VCF-style: chr14-67885993-G-A. GRCh37 (hg19) VCF-style: chr14-68352710-G-A.
Other names: c.572+5G>A (NM_002877.6, NM_001321819.1, NM_001321812.1 and 6 more transcripts); c.215+5G>A (NM_001321817.2); c.458+5G>A (NM_001321815.1).
Identifiers: ClinVar variation 4149798 (VCV004149798.1).